The following is an entry in ClinVar:

ClinVar aggregate classification (germline): Conflicting classifications of pathogenicity. Review status: criteria provided, conflicting classifications (1 of 4 stars). 9 submissions from 9 submitters: Uncertain significance (3); Benign (1); Likely benign (3). 2 of the submissions do not count toward it. Last evaluated 2026-09-01.

Conditions:
Polycystic lipomembranous osteodysplasia with sclerosing leukoencephalopathy 2. Also called: TREM2-Related Polycystic Lipomembranous Osteodysplasia with Sclerosing Leukoencephalopathy. Identifiers: MedGen C4748657, MONDO:0020750, OMIM 618193.

Allele frequency attached by ClinVar (database versions not stated): 1000 Genomes Project 30x 0.00047; 1000 Genomes Project 0.00060; ESP Exome Variant Server 0.00092; gnomAD exomes 0.00095 and 0.00097; TOPMed 0.00097; ExAC 0.00105; gnomAD 0.00145 and 0.00152.
gnomAD v4.1: 1,590 of 1,614,234 alleles (0.098%); highest among the groups gnomAD compares: Non-Finnish European, 0.12%; 5 homozygotes.

Submissions (9):

CeGaT Center for Human Genetics Tuebingen
Classification: Likely benign. Last evaluated: 2026-09-01. Review status: criteria provided, single submitter. Criteria: CeGaT Center For Human Genetics Tuebingen Variant Classification Criteria Version 2. Collection method: clinical testing. Allele origin: germline. Affected: yes. Observed: 12 variant alleles.
Comment: TREM2: BP4

Labcorp Genetics (formerly Invitae), Labcorp
Classification: Likely benign. Last evaluated: 2026-01-26. Review status: criteria provided, single submitter. Criteria: Invitae Variant Classification Sherloc (09022015). Collection method: clinical testing. Allele origin: germline.

Blueprint Genetics
Classification: Uncertain significance. Last evaluated: 2024-11-26. Review status: criteria provided, single submitter. Criteria: ACMG Guidelines, 2015. Collection method: clinical testing. Allele origin: germline.

GeneDx
Classification: Likely benign. Last evaluated: 2021-03-29. Review status: criteria provided, single submitter. Criteria: GeneDx Variant Classification Process June 2021. Collection method: clinical testing. Allele origin: germline. Affected: yes.
Comment: This variant is associated with the following publications: (PMID: 30530974, 30883352, 30106757, 30033062, 29557178, 26754641, 27589997, 23150934, 24119542, 25886450, 31836585)

Illumina Laboratory Services, Illumina
Classification: Uncertain significance for Polycystic lipomembranous osteodysplasia with sclerosing leukoencephalopathy 2. Last evaluated: 2017-04-27. Review status: criteria provided, single submitter. Criteria: ICSL Variant Classification Criteria 13 December 2019. Collection method: clinical testing. Allele origin: germline.
Comment: This variant was observed as part of a predisposition screen in an ostensibly healthy population. A literature search was performed for the gene, cDNA change, and amino acid change (where applicable). Publications were found based on this search. However, the evidence from the literature, in combination with allele frequency data from public databases where available, was not sufficient to rule this variant in or out of causing disease. Therefore, this variant is classified as a variant of unknown significance.

Eurofins Ntd Llc (ga)
Classification: Uncertain significance. Last evaluated: 2016-02-08. Review status: criteria provided, single submitter. Criteria: EGL Classification Definitions 2015. Collection method: clinical testing. Allele origin: germline. Observed: 1 variant allele, 1 heterozygote.

PreventionGenetics, part of Exact Sciences
Classification: Benign. Review status: criteria provided, single submitter. Criteria: ACMG Guidelines, 2015. Collection method: clinical testing. Allele origin: germline.

Genome Diagnostics Laboratory, Amsterdam University Medical Center
Classification: Likely benign. Review status: no assertion criteria provided. Collection method: clinical testing. Allele origin: germline. Affected: yes. Study: VKGL Data-share Consensus. Not counted in ClinVar's aggregate classification.

Laboratory of Diagnostic Genome Analysis, Leiden University Medical Center (LUMC)
Classification: Likely benign. Review status: no assertion criteria provided. Collection method: clinical testing. Allele origin: germline. Affected: yes. Study: VKGL Data-share Consensus. Not counted in ClinVar's aggregate classification.

Literature cited by the submitters: PubMed 25886450 (cited by Illumina Laboratory Services, Illumina and Eurofins Ntd Llc (ga)); PubMed 23150934 (cited by Eurofins Ntd Llc (ga)); PubMed 24119542 (cited by Eurofins Ntd Llc (ga)).

NM_018965.4(TREM2):c.259G>A (p.Asp87Asn)

Gene: TREM2 (triggering receptor expressed on myeloid cells 2; minus strand). Cytogenetic location: 6p21.1.
Variant type: single nucleotide variant.
Coding change: c.259G>A on transcript NM_018965.4 (MANE Select); coding-DNA position 259, G replaced by A.
Protein change: p.Asp87Asn; replaces aspartic acid 87 with asparagine.
Molecular consequence: missense variant.
Genome position (GRCh38, 1-based): chr6:41,161,395, C>T on the plus strand (G>A on the coding strand, the complement: TREM2 is on the minus strand). VCF-style: chr6-41161395-C-T. GRCh37 (hg19) VCF-style: chr6-41129133-C-T.
Other names: c.259G>A (NM_018965.2); c.259G>A, p.Asp87Asn (NM_001271821.2); short protein forms D87N.
Identifiers: ClinVar variation 261064 (VCV000261064.57), dbSNP rs142232675, ClinGen allele CA3798935.